The following is an entry in ClinVar:

ClinVar aggregate classification (germline): Uncertain significance (1 of 4 stars; one submission).

Conditions:
Charcot-Marie-Tooth disease type 2. Also called: Charcot-Marie-Tooth type 2. Identifiers: Orphanet 64746, MedGen C0270914, MONDO:0018993.

gnomAD v4.1: 2 of 1,614,022 alleles (0.00012%); highest among the groups gnomAD compares: Admixed American, 0.0017%; no homozygotes.

Submission:

Labcorp Genetics (formerly Invitae), Labcorp
Classification: Uncertain significance for Charcot-Marie-Tooth disease type 2. Last evaluated: 2023-08-27. Review status: criteria provided, single submitter. Criteria: Invitae Variant Classification Sherloc (09022015). Collection method: clinical testing. Allele origin: germline.
Comment: In summary, the available evidence is currently insufficient to determine the role of this variant in disease. Therefore, it has been classified as a Variant of Uncertain Significance. An algorithm developed to predict the effect of missense changes on protein structure and function (PolyPhen-2) suggests that this variant is likely to be disruptive. This variant has not been reported in the literature in individuals affected with AARS-related conditions. This variant is not present in population databases (gnomAD no frequency). This sequence change replaces leucine, which is neutral and non-polar, with phenylalanine, which is neutral and non-polar, at codon 706 of the AARS protein (p.Leu706Phe).

NM_001605.3(AARS1):c.2118G>T (p.Leu706Phe)

Gene: AARS1 (alanyl-tRNA synthetase 1; minus strand). Cytogenetic location: 16q22.1.
Variant type: single nucleotide variant.
Coding change: c.2118G>T on transcript NM_001605.3 (MANE Select); coding-DNA position 2118, G replaced by T.
Protein change: p.Leu706Phe; replaces leucine 706 with phenylalanine.
Molecular consequence: missense variant.
Genome position (GRCh38, 1-based): chr16:70,258,092, C>A on the plus strand (G>T on the coding strand, the complement: AARS1 is on the minus strand). VCF-style: chr16-70258092-C-A. GRCh37 (hg19) VCF-style: chr16-70291995-C-A.
Other names: short protein forms L706F.
Identifiers: ClinVar variation 2890460 (VCV002890460.3), dbSNP rs201097032, ClinGen allele CA396557620.